The following is an entry in ClinVar:

ClinVar aggregate classification (germline): Uncertain significance (1 of 4 stars; one submission).

Submission:

GeneDx
Classification: Uncertain significance. Last evaluated: 2023-06-21. Review status: criteria provided, single submitter. Criteria: GeneDx Variant Classification Process June 2021. Collection method: clinical testing. Allele origin: germline. Affected: yes.
Comment: Not observed at significant frequency in large population cohorts (gnomAD); In-frame deletion of one amino acid in a non-repeat region; In silico analysis supports that this missense variant has a deleterious effect on protein structure/function; Has not been previously published as pathogenic or benign to our knowledge; Reported using an alternate transcript of the gene

NM_001349798.2(FBXW7):c.501+29109_501+29111del

Gene: FBXW7 (F-box and WD repeat domain containing 7; minus strand). Cytogenetic location: 4q31.3.
Variant type: Deletion.
Coding change: c.501+29109_501+29111del on transcript NM_001349798.2 (MANE Select); bases 29109 to 29111 of the intron after coding-DNA position 501, 3 bases deleted (AGA; older notation c.501+29109_501+29111delAGA).
Molecular consequence: intron variant.
Genome position (GRCh38, 1-based): chr4:152,382,192-152,382,194, TCT deleted on the plus strand (AGA on the coding strand, the reverse complement: FBXW7 is on the minus strand); deleting any 3 consecutive bases within chr4:152,382,192-152,382,196 gives the same sequence; the c. name uses the placement nearest the transcript's 3' end. VCF-style (leftmost placement, unchanged base first): chr4-152382191-GTCT-G. GRCh37 (hg19) VCF-style: chr4-153303343-GTCT-G.
Other names: c.142_144del, p.Arg49del (NM_001013415.2); c.501+29109_501+29111del (NM_033632.3); short protein forms R49del.
Identifiers: ClinVar variation 3360104 (VCV003360104.1).